The following is an entry in ClinVar:

NM_000075.4(CDK4):c.404G>A (p.Cys135Tyr)

Gene: CDK4 (cyclin dependent kinase 4; minus strand). Cytogenetic location: 12q14.1.
Variant type: single nucleotide variant.
Coding change: c.404G>A on transcript NM_000075.4 (MANE Select); coding-DNA position 404, G replaced by A.
Protein change: p.Cys135Tyr; replaces cysteine 135 with tyrosine.
Molecular consequence: missense variant.
Genome position (GRCh38, 1-based): chr12:57,751,041, C>T on the plus strand (G>A on the coding strand, the complement: CDK4 is on the minus strand). VCF-style: chr12-57751041-C-T. GRCh37 (hg19) VCF-style: chr12-58144824-C-T.
Other names: short protein forms C135Y.
Identifiers: ClinVar variation 824538 (VCV000824538.7), dbSNP rs1340574386, ClinGen allele CA385546808.

ClinVar aggregate classification (germline): Uncertain significance. Review status: criteria provided, multiple submitters, no conflicts (2 of 4 stars). 2 submissions from 2 submitters: Uncertain significance (2). Last evaluated 2026-01-27.

Conditions:
Hereditary cancer-predisposing syndrome. Also called: Neoplastic Syndromes, Hereditary; Tumor predisposition; Hereditary neoplastic syndrome; Hereditary Cancer Syndrome. Identifiers: Orphanet 140162, MedGen C0027672, MeSH D009386, MONDO:0015356.
Familial melanoma. Also called: Hereditary melanoma; Hereditary cutaneous melanoma. Identifiers: Orphanet 618, MedGen C1512419, MONDO:0018961.

Allele frequency attached by ClinVar (database versions not stated): TOPMed below 0.00001; gnomAD 0.00001.

Submissions (2):

Labcorp Genetics (formerly Invitae), Labcorp
Classification: Uncertain significance for Familial melanoma. Last evaluated: 2026-01-27. Review status: criteria provided, single submitter. Criteria: Invitae Variant Classification Sherloc (09022015). Collection method: clinical testing. Allele origin: germline.
Comment: This sequence change replaces cysteine, which is neutral and slightly polar, with tyrosine, which is neutral and polar, at codon 135 of the CDK4 protein (p.Cys135Tyr). This variant is not present in population databases (gnomAD no frequency). This variant has not been reported in the literature in individuals affected with CDK4-related conditions. ClinVar contains an entry for this variant (Variation ID: 824538). Invitae Evidence Modeling of protein sequence and biophysical properties (such as structural, functional, and spatial information, amino acid conservation, physicochemical variation, residue mobility, and thermodynamic stability) indicates that this missense variant is not expected to disrupt CDK4 protein function with a negative predictive value of 95%. In summary, the available evidence is currently insufficient to determine the role of this variant in disease. Therefore, it has been classified as a Variant of Uncertain Significance.

Ambry Genetics
Classification: Uncertain significance for Hereditary cancer-predisposing syndrome. Last evaluated: 2019-07-30. Review status: criteria provided, single submitter. Criteria: Ambry Variant Classification Scheme 2023. Collection method: clinical testing. Allele origin: germline.
Comment: The p.C135Y variant (also known as c.404G>A), located in coding exon 3 of the CDK4 gene, results from a G to A substitution at nucleotide position 404. The cysteine at codon 135 is replaced by tyrosine, an amino acid with highly dissimilar properties. This amino acid position is not well conserved in available vertebrate species. In addition, this alteration is predicted to be tolerated by in silico analysis. Since supporting evidence is limited at this time, the clinical significance of this alteration remains unclear.